The following is an entry in ClinVar:

ClinVar aggregate classification (germline): Uncertain significance. Review status: criteria provided, multiple submitters, no conflicts (2 of 4 stars). 2 submissions from 2 submitters: Uncertain significance (2). Last evaluated 2025-08-26.

Allele frequency attached by ClinVar (database versions not stated): gnomAD exomes 0.00001; TOPMed 0.00002.
gnomAD v4.1: 13 of 1,611,356 alleles (0.00081%); highest among the groups gnomAD compares: Non-Finnish European, 0.0011%; no homozygotes.

Submissions (2):

Ambry Genetics
Classification: Uncertain significance. Last evaluated: 2025-08-26. Review status: criteria provided, single submitter. Criteria: Ambry Variant Classification Scheme 2023. Collection method: clinical testing. Allele origin: germline.

Labcorp Genetics (formerly Invitae), Labcorp
Classification: Uncertain significance. Last evaluated: 2024-01-20. Review status: criteria provided, single submitter. Criteria: Invitae Variant Classification Sherloc (09022015). Collection method: clinical testing. Allele origin: germline.
Comment: This sequence change replaces glutamic acid, which is acidic and polar, with alanine, which is neutral and non-polar, at codon 769 of the VAV1 protein (p.Glu769Ala). This variant is not present in population databases (gnomAD no frequency). This variant has not been reported in the literature in individuals affected with VAV1-related conditions. ClinVar contains an entry for this variant (Variation ID: 1906768). An algorithm developed to predict the effect of missense changes on protein structure and function (PolyPhen-2) suggests that this variant is likely to be disruptive. In summary, the available evidence is currently insufficient to determine the role of this variant in disease. Therefore, it has been classified as a Variant of Uncertain Significance.

NM_005428.4(VAV1):c.2306A>C (p.Glu769Ala)

Gene: VAV1 (vav guanine nucleotide exchange factor 1; plus strand). Cytogenetic location: 19p13.3.
Variant type: single nucleotide variant.
Coding change: c.2306A>C on transcript NM_005428.4 (MANE Select); coding-DNA position 2306, A replaced by C.
Protein change: p.Glu769Ala; replaces glutamic acid 769 with alanine.
Molecular consequence: missense variant.
Genome position (GRCh38, 1-based): chr19:6,853,053, A>C. VCF-style: chr19-6853053-A-C. GRCh37 (hg19) VCF-style: chr19-6853064-A-C.
Other names: c.2240A>C, p.Glu747Ala (NM_001258206.2); c.2210A>C, p.Glu737Ala (NM_001258207.2); c.2306A>C (NM_005428.2); short protein forms E747A, E737A, E769A.
Identifiers: ClinVar variation 1906768 (VCV001906768.6), dbSNP rs1017952782, ClinGen allele CA304826090.